The following is an entry in ClinVar:

NM_020987.5(ANK3):c.3629G>A (p.Arg1210Gln)

Gene: ANK3 (ankyrin 3; minus strand). Cytogenetic location: 10q21.2.
Variant type: single nucleotide variant.
Coding change: c.3629G>A on transcript NM_020987.5 (MANE Select); coding-DNA position 3629, G replaced by A.
Protein change: p.Arg1210Gln; replaces arginine 1210 with glutamine.
Molecular consequence: missense variant.
Genome position (GRCh38, 1-based): chr10:60,086,796, C>T on the plus strand (G>A on the coding strand, the complement: ANK3 is on the minus strand). VCF-style: chr10-60086796-C-T. GRCh37 (hg19) VCF-style: chr10-61846554-C-T.
Other names: c.1031G>A, p.Arg344Gln (NM_001149.4); c.3611G>A, p.Arg1204Gln (NM_001204403.2); c.3632G>A, p.Arg1211Gln (NM_001204404.2); c.3629G>A, p.Arg1210Gln (NM_001320874.2); short protein forms R1204Q, R1210Q, R1211Q, R344Q.
Identifiers: ClinVar variation 3774063 (VCV003774063.2).

ClinVar aggregate classification (germline): Uncertain significance (1 of 4 stars; one submission).

Submission:

GeneDx
Classification: Uncertain significance. Last evaluated: 2025-05-15. Review status: criteria provided, single submitter. Criteria: GeneDx Variant Classification Process June 2021. Collection method: clinical testing. Allele origin: germline.
Comment: Not observed at significant frequency in large population cohorts (gnomAD); In silico analysis supports that this missense variant has a deleterious effect on protein structure/function; Has not been previously published as pathogenic or benign to our knowledge